The following is an entry in ClinVar:

ClinVar aggregate classification (germline): Pathogenic (1 of 4 stars; one submission).

Conditions:
Polycystic kidney disease, adult type (PKD1). Also called: POLYCYSTIC KIDNEY DISEASE, ADULT, TYPE I; Polycystic Kidney, Autosomal Dominant; POLYCYSTIC KIDNEY DISEASE 1 WITH OR WITHOUT POLYCYSTIC LIVER DISEASE; Polycystic Kidney Disease 1, Autosomal Dominant; Polycystic kidney disease 1; Polycystic kidney disease 1, severe. Identifiers: MedGen C3149841, MONDO:0008263, OMIM 173900.

Submission:

3billion
Classification: Pathogenic for Polycystic kidney disease, adult type. Last evaluated: 2022-05-22. Review status: criteria provided, single submitter. Criteria: ACMG Guidelines, 2015. Collection method: clinical testing. Allele origin: germline. Affected: yes. Observed: 1 heterozygote.
Comment: The variant is not observed in the gnomAD v2.1.1 dataset. Stop-gained (nonsense): predicted to result in a loss or disruption of normal protein function through nonsense-mediated decay (NMD) or protein truncation. Multiple pathogenic variants are reported downstream of the variant. The variant has been reported to be associated with PKD1 related disorder (PMID: 31740684). Therefore, this variant is classified as pathogenic according to the recommendation of ACMG/AMP guideline.

Literature cited by the submitters: PubMed 31740684.

NM_001009944.3(PKD1):c.1309C>T (p.Gln437Ter)

Gene: PKD1 (polycystin 1, transient receptor potential channel interacting; minus strand). Cytogenetic location: 16p13.3.
Variant type: single nucleotide variant.
Coding change: c.1309C>T on transcript NM_001009944.3 (MANE Select); coding-DNA position 1309, C replaced by T.
Protein change: p.Gln437Ter; replaces glutamine 437 with a stop codon.
Molecular consequence: nonsense.
Genome position (GRCh38, 1-based): chr16:2,117,565, G>A on the plus strand (C>T on the coding strand, the complement: PKD1 is on the minus strand). VCF-style: chr16-2117565-G-A. GRCh37 (hg19) VCF-style: chr16-2167566-G-A.
Other names: c.1309C>T, p.Gln437Ter (NM_000296.4); short protein forms Q437*.
Identifiers: ClinVar variation 1687443 (VCV001687443.1), dbSNP rs2151822408, ClinGen allele CA394392579.
Genomic context (GRCh38, chr16:2,117,565, plus strand): 5'-CCAGGAAGCGCTGCACGGCGGGACTGTCCACCATTGCCAGGGCGGCCCCGGCCCAGGCCT[G>A]ACACTGCTCCTGCGCCTGCAGCCAGGCCGCCTTCTCCACCACCAGGCGGTAGCAGTGCCC-3'